The following is an entry in ClinVar:

ClinVar aggregate classification (germline): Uncertain significance (1 of 4 stars; one submission).

gnomAD v4.1: 2 of 1,611,746 alleles (0.00012%); highest among the groups gnomAD compares: Non-Finnish European, 0.00017%; no homozygotes.

Submission:

Labcorp Genetics (formerly Invitae), Labcorp
Classification: Uncertain significance. Last evaluated: 2024-10-08. Review status: criteria provided, single submitter. Criteria: Invitae Variant Classification Sherloc (09022015). Collection method: clinical testing. Allele origin: germline.
Comment: This sequence change replaces isoleucine, which is neutral and non-polar, with valine, which is neutral and non-polar, at codon 4994 of the RNF213 protein (p.Ile4994Val). This variant is present in population databases (no rsID available, gnomAD 0.02%). This variant has not been reported in the literature in individuals affected with RNF213-related conditions. Invitae Evidence Modeling of protein sequence and biophysical properties (such as structural, functional, and spatial information, amino acid conservation, physicochemical variation, residue mobility, and thermodynamic stability) indicates that this missense variant is not expected to disrupt RNF213 protein function with a negative predictive value of 95%. In summary, the available evidence is currently insufficient to determine the role of this variant in disease. Therefore, it has been classified as a Variant of Uncertain Significance.

NM_001256071.3(RNF213):c.14980A>G (p.Ile4994Val)

Genes: RNF213 (ring finger protein 213; plus strand), RNF213-AS1 (RNF213 antisense RNA 1; minus strand). Cytogenetic location: 17q25.3.
Variant type: single nucleotide variant.
Coding change: c.14980A>G on transcript NM_001256071.3 (MANE Select); coding-DNA position 14980, A replaced by G.
Protein change: p.Ile4994Val; replaces isoleucine 4994 with valine.
Molecular consequence: missense variant.
Genome position (GRCh38, 1-based): chr17:80,388,669, A>G. VCF-style: chr17-80388669-A-G. GRCh37 (hg19) VCF-style: chr17-78362469-A-G.
Other names: c.15127A>G, p.Ile5043Val (NM_001410195.1, NM_020914.5); short protein forms I4994V, I5043V.
Identifiers: ClinVar variation 3675346 (VCV003675346.2).